The following is an entry in ClinVar:

NM_001164508.2(NEB):c.11395C>T (p.Gln3799Ter)

Gene: NEB (nebulin; minus strand). Cytogenetic location: 2q23.3.
Variant type: single nucleotide variant.
Coding change: c.11395C>T on transcript NM_001164508.2 (MANE Select); coding-DNA position 11395, C replaced by T.
Protein change: p.Gln3799Ter; replaces glutamine 3799 with a stop codon.
Molecular consequence: nonsense.
Genome position (GRCh38, 1-based): chr2:151,614,482, G>A on the plus strand (C>T on the coding strand, the complement: NEB is on the minus strand). VCF-style: chr2-151614482-G-A. GRCh37 (hg19) VCF-style: chr2-152470996-G-A.
Other names: c.11395C>T, p.Gln3799Ter (NM_001164507.2, NM_001271208.2); c.10666C>T, p.Gln3556Ter (NM_004543.5); short protein forms Q3556*, Q3799*.
Identifiers: ClinVar variation 4814708 (VCV004814708.1).

ClinVar aggregate classification (germline): Likely pathogenic (1 of 4 stars; one submission).

Conditions:
Nemaline myopathy 2 (NEM2). Also called: Nemaline myopathy 2, autosomal recessive. Identifiers: MedGen C1850569, MONDO:0009725, OMIM 256030.

Submission:

Natera, Inc.
Classification: Likely pathogenic for Nemaline myopathy type 2. Last evaluated: 2024-03-01. Review status: criteria provided, single submitter. Criteria: Natera Variant Classification Schema (03/2026). Collection method: clinical testing. Allele origin: germline.
Comment: The c.11395C>T variant in NEB is a nonsense variant predicted to introduce a stop codon at amino acid 3799. This variant is expected to result in nonsense mediated decay, truncation, or a dysfunctional protein product. This variant is rare in the general population with a frequency below the threshold expected for the associated phenotype(s). Given the available evidence, this variant is classified as Likely Pathogenic.